The following is an entry in ClinVar:

ClinVar aggregate classification (germline): Uncertain significance (1 of 4 stars; one submission).

Conditions:
Charcot-Marie-Tooth disease type 2. Also called: Charcot-Marie-Tooth type 2. Identifiers: Orphanet 64746, MedGen C0270914, MONDO:0018993.

gnomAD v4.1: 1 of 1,555,114 alleles (0.000064%); highest among the groups gnomAD compares: Non-Finnish European, 0.000087%; no homozygotes.

Submission:

Labcorp Genetics (formerly Invitae), Labcorp
Classification: Uncertain significance for Charcot-Marie-Tooth disease type 2. Last evaluated: 2025-07-07. Review status: criteria provided, single submitter. Criteria: Invitae Variant Classification Sherloc (09022015). Collection method: clinical testing. Allele origin: germline.
Comment: This sequence change replaces glutamic acid, which is acidic and polar, with aspartic acid, which is acidic and polar, at codon 554 of the LMNA protein (p.Glu554Asp). This variant is not present in population databases (gnomAD no frequency). This variant has not been reported in the literature in individuals affected with LMNA-related conditions. An algorithm developed to predict the effect of missense changes on protein structure and function outputs the following: PolyPhen-2: "Benign". The aspartic acid amino acid residue is found in multiple mammalian species, which suggests that this missense change does not adversely affect protein function. In summary, the available evidence is currently insufficient to determine the role of this variant in disease. Therefore, it has been classified as a Variant of Uncertain Significance.

NM_170707.4(LMNA):c.1662G>C (p.Glu554Asp)

Gene: LMNA (lamin A/C; plus strand). Cytogenetic location: 1q22.
Variant type: single nucleotide variant.
Coding change: c.1662G>C on transcript NM_170707.4 (MANE Select); coding-DNA position 1662, G replaced by C.
Protein change: p.Glu554Asp; replaces glutamic acid 554 with aspartic acid.
Molecular consequence: missense variant. On other transcripts: intron variant (1).
Genome position (GRCh38, 1-based): chr1:156,137,707, G>C. VCF-style: chr1-156137707-G-C. GRCh37 (hg19) VCF-style: chr1-156107498-G-C.
Other names: c.1326G>C, p.Glu442Asp (NM_001257374.3, NM_001406989.1, NM_001406998.1); c.1419G>C, p.Glu473Asp (NM_001282624.2, NM_001406986.1, NM_001406987.1); c.1662G>C, p.Glu554Asp (NM_001282625.2, NM_001282626.2, NM_001406983.1 and 5 more transcripts); c.1365G>C, p.Glu455Asp (NM_001406988.1); c.1104G>C, p.Glu368Asp (NM_001406990.1, NM_001406993.1, NM_001406995.1 and 4 more transcripts); c.1038G>C, p.Glu346Asp (NM_001406994.1, NM_001406999.1, NM_001407000.1 and 1 more transcripts); c.1608+475G>C (NM_170708.4); short protein forms E346D, E473D, E368D, E442D, E554D, E455D.
Identifiers: ClinVar variation 4753719 (VCV004753719.1).